The following is an entry in ClinVar:

NM_000430.4(PAFAH1B1):c.794C>T (p.Thr265Ile)

Gene: PAFAH1B1 (platelet activating factor acetylhydrolase 1b regulatory subunit 1; plus strand). Cytogenetic location: 17p13.3.
Variant type: single nucleotide variant.
Coding change: c.794C>T on transcript NM_000430.4 (MANE Select); coding-DNA position 794, C replaced by T.
Protein change: p.Thr265Ile; replaces threonine 265 with isoleucine.
Molecular consequence: missense variant.
Genome position (GRCh38, 1-based): chr17:2,674,182, C>T. VCF-style: chr17-2674182-C-T. GRCh37 (hg19) VCF-style: chr17-2577476-C-T.
Other names: short protein forms T265I.
Identifiers: ClinVar variation 436139 (VCV000436139.14), dbSNP rs769280736, ClinGen allele CA8283257.

ClinVar aggregate classification (germline): Conflicting classifications of pathogenicity. Review status: criteria provided, conflicting classifications (1 of 4 stars). 3 submissions from 3 submitters: Uncertain significance (2); Likely benign (1). Last evaluated 2026-03-06.

Conditions:
Inborn genetic diseases. Identifiers: MedGen C0950123, MeSH D030342.

Allele frequency attached by ClinVar (database versions not stated): gnomAD exomes below 0.00001 and 0.00001; gnomAD 0.00002; TOPMed 0.00002; ExAC 0.00001.

Submissions (3):

Ambry Genetics
Classification: Uncertain significance for Inborn genetic diseases. Last evaluated: 2026-03-06. Review status: criteria provided, single submitter. Criteria: Ambry Variant Classification Scheme 2023. Collection method: clinical testing. Allele origin: germline.
Comment: The c.794C>T (p.T265I) alteration is located in exon 8 (coding exon 7) of the PAFAH1B1 gene. This alteration results from a C to T substitution at nucleotide position 794, causing the threonine (T) at amino acid position 265 to be replaced by an isoleucine (I). Based on data from gnomAD, the T allele has an overall frequency of 0.001% (2/282868) total alleles studied. The highest observed frequency was 0.004% (1/24958) of African alleles. Based on insufficient or conflicting evidence, the clinical significance of this alteration remains unclear.

Labcorp Genetics (formerly Invitae), Labcorp
Classification: Likely benign. Last evaluated: 2024-02-17. Review status: criteria provided, single submitter. Criteria: Invitae Variant Classification Sherloc (09022015). Collection method: clinical testing. Allele origin: germline.

Genetic Services Laboratory, University of Chicago
Classification: Uncertain significance. Last evaluated: 2016-07-25. Review status: criteria provided, single submitter. Criteria: ACMG Guidelines, 2015. Collection method: clinical testing. Allele origin: germline. Affected: no.